The following is an entry in ClinVar:

ClinVar aggregate classification (germline): Benign (1 of 4 stars; one submission).

Allele frequency attached by ClinVar (database versions not stated): gnomAD 0.02179 and 0.02325; 1000 Genomes Project 0.02416; TOPMed 0.02464; 1000 Genomes Project 30x 0.02561.
gnomAD v4.1: 3,284 of 152,322 alleles (2.2%); highest among the groups gnomAD compares: African/African-American, 7.4%; 132 homozygotes.

Submission:

GeneDx
Classification: Benign. Last evaluated: 2018-06-14. Review status: criteria provided, single submitter. Criteria: GeneDx Variant Classification (06012015). Collection method: clinical testing. Allele origin: germline. Affected: yes.
Comment: This variant is considered likely benign or benign based on one or more of the following criteria: it is a conservative change, it occurs at a poorly conserved position in the protein, it is predicted to be benign by multiple in silico algorithms, and/or has population frequency not consistent with disease.

NM_001035.3(RYR2):c.10689+158A>C

Gene: RYR2 (ryanodine receptor 2; plus strand). Cytogenetic location: 1q43.
Variant type: single nucleotide variant.
Coding change: c.10689+158A>C on transcript NM_001035.3 (MANE Select); 158 bases into the intron after coding-DNA position 10689, A replaced by C.
Molecular consequence: intron variant.
Genome position (GRCh38, 1-based): chr1:237,723,420, A>C. VCF-style: chr1-237723420-A-C. GRCh37 (hg19) VCF-style: chr1-237886720-A-C.
Identifiers: ClinVar variation 672952 (VCV000672952.1), dbSNP rs59607512, ClinGen allele CA39804440.